The following is an entry in ClinVar:

NM_000324.3(RHAG):c.899G>A (p.Gly300Glu)

Gene: RHAG (Rh associated glycoprotein; minus strand). Cytogenetic location: 6p12.3.
Variant type: single nucleotide variant.
Coding change: c.899G>A on transcript NM_000324.3 (MANE Select); coding-DNA position 899, G replaced by A.
Protein change: p.Gly300Glu; replaces glycine 300 with glutamic acid.
Molecular consequence: missense variant.
Genome position (GRCh38, 1-based): chr6:49,612,443, C>T on the plus strand (G>A on the coding strand, the complement: RHAG is on the minus strand). VCF-style: chr6-49612443-C-T. GRCh37 (hg19) VCF-style: chr6-49580156-C-T.
Other names: short protein forms G300E.
Identifiers: ClinVar variation 2007467 (VCV002007467.4), dbSNP rs2532597036, ClinGen allele CA364398304.

ClinVar aggregate classification (germline): Uncertain significance (1 of 4 stars; one submission).

Allele frequency attached by ClinVar (database versions not stated): gnomAD exomes below 0.00001.
gnomAD v4.1: 1 of 1,614,034 alleles (0.000062%); highest among the groups gnomAD compares: Non-Finnish European, 0.000085%; no homozygotes.

Submission:

Labcorp Genetics (formerly Invitae), Labcorp
Classification: Uncertain significance. Last evaluated: 2022-07-19. Review status: criteria provided, single submitter. Criteria: Invitae Variant Classification Sherloc (09022015). Collection method: clinical testing. Allele origin: germline.
Comment: This sequence change replaces glycine, which is neutral and non-polar, with glutamic acid, which is acidic and polar, at codon 300 of the RHAG protein (p.Gly300Glu). This variant is not present in population databases (gnomAD no frequency). This variant has not been reported in the literature in individuals affected with RHAG-related conditions. Algorithms developed to predict the effect of missense changes on protein structure and function are either unavailable or do not agree on the potential impact of this missense change (SIFT: "Deleterious"; PolyPhen-2: "Probably Damaging"; Align-GVGD: "Class C0"). In summary, the available evidence is currently insufficient to determine the role of this variant in disease. Therefore, it has been classified as a Variant of Uncertain Significance.